The following is an entry in ClinVar:

ClinVar aggregate classification (germline): Benign. Review status: criteria provided, single submitter (1 of 4 stars). 2 submissions from 2 submitters: Benign (1). 1 of the submissions does not count toward it. Last evaluated 2018-03-30.

Conditions:
ANKRD6-related disorder. Also called: ANKRD6-related condition.

Allele frequency attached by ClinVar (database versions not stated): gnomAD exomes 0.00034 and 0.00094; ExAC 0.00121; 1000 Genomes Project 30x 0.00312; 1000 Genomes Project 0.00339; gnomAD 0.00362 and 0.00397; ESP Exome Variant Server 0.00403; TOPMed 0.00435.
gnomAD v4.1: 1,076 of 1,613,866 alleles (0.067%); highest among the groups gnomAD compares: African/African-American, 1.2%; 10 homozygotes.

Submissions (2):

Labcorp Genetics (formerly Invitae), Labcorp
Classification: Benign. Last evaluated: 2018-03-30. Review status: criteria provided, single submitter. Criteria: Invitae Variant Classification Sherloc (09022015). Collection method: clinical testing. Allele origin: germline.

PreventionGenetics, part of Exact Sciences
Classification: Likely benign for ANKRD6-related condition. Last evaluated: 2019-03-25. Review status: no assertion criteria provided. Collection method: clinical testing. Allele origin: germline. Not counted in ClinVar's aggregate classification.
Comment: This variant is classified as likely benign based on ACMG/AMP sequence variant interpretation guidelines (Richards et al. 2015 PMID: 25741868, with internal and published modifications).

NM_001242809.2(ANKRD6):c.1908C>T (p.Pro636=)

Gene: ANKRD6 (ankyrin repeat domain 6; plus strand). Cytogenetic location: 6q15.
Variant type: single nucleotide variant.
Coding change: c.1908C>T on transcript NM_001242809.2 (MANE Select); coding-DNA position 1908, C replaced by T.
Protein change: p.Pro636=; no amino-acid change (proline 636 retained).
Molecular consequence: synonymous variant.
Genome position (GRCh38, 1-based): chr6:89,630,728, C>T. VCF-style: chr6-89630728-C-T. GRCh37 (hg19) VCF-style: chr6-90340447-C-T.
Other names: c.1908C>T, p.Pro636= (NM_001242811.1); c.1803C>T, p.Pro601= (NM_001242813.1); c.1716C>T, p.Pro572= (NM_001242814.1); c.1893C>T, p.Pro631= (NM_014942.4).
Identifiers: ClinVar variation 717855 (VCV000717855.5), dbSNP rs61739328, ClinGen allele CA3921679.